The following is an entry in ClinVar:

ClinVar aggregate classification (germline): Pathogenic. Review status: reviewed by expert panel (3 of 4 stars). 2 submissions from 2 submitters: Pathogenic (1). 1 of the submissions does not count toward it. Last evaluated 2026-09-21.

Conditions:
Monogenic diabetes. Identifiers: Orphanet 183625, MedGen C3888631, MONDO:0015967.
Maturity-onset diabetes of the young type 3. Also called: MODY, type III; MODY type 3. Identifiers: Orphanet 552, MedGen C1838100, MeSH C563933, MONDO:0010894, OMIM 600496. Disease mechanism: loss of function.

Submissions (2):

ClinGen Monogenic Diabetes Variant Curation Expert Panel
Classification: Pathogenic for Monogenic diabetes. Last evaluated: 2026-09-21. Review status: reviewed by expert panel. Criteria: ClinGen Diabetes ACMG Specifications HNF1A V3.1.0. Collection method: curation. Allele origin: germline. Inheritance: Autosomal dominant inheritance.
Comment: The c.1333_1334del variant in the HNF1 homeobox A gene, HNF1A, causes a frameshift in the protein at codon 445 (NM_000545.8), adding an undetermined number of novel amino acids before encountering a stop codon (p.Ser445CysfsTer?). This variant, located in biologically-relevant exon 7 of 10, is predicted to lead to nonsense mediated decay in a gene in which loss-of-function is an established disease mechanism (PVS1; PMID: 23348805). This variant is absent from gnomAD v4.1.1 (PM2_Supporting) and was identified in 6 unrelated individuals with non- autoimmune and non-absolute/near-absolute insulin-deficient diabetes (PS4_Moderate; PMIDs: 12574234, 36257325; internal lab contributors). Furthermore, this variant segregated with diabetes, with 7 informative meioses in 3 families (PP1_Strong; PMID:12574234, internal lab contributors). In summary,c.1333_1334del meets the criteria to be classified as pathogenic for monogenic diabetes. ACMG/AMP criteria applied, as specified by the ClinGen MDEP VCEP (specification version 3.1.0, approved 10/10/2025): PVS1, PS4_Moderate, PP1_Strong, PM2_Supporting.

OMIM
Classification: Pathogenic for MATURITY-ONSET DIABETES OF THE YOUNG, TYPE 3. Last evaluated: 2003-02-01. Review status: no assertion criteria provided. Collection method: literature only. Allele origin: germline. Not counted in ClinVar's aggregate classification.

Literature cited by the submitters: PubMed 12574234 (cited by ClinGen Monogenic Diabetes Variant Curation Expert Panel and OMIM); PubMed 36257325 (cited by ClinGen Monogenic Diabetes Variant Curation Expert Panel).

NM_000545.8(HNF1A):c.1333_1334del (p.Ser445fs)

Gene: HNF1A (HNF1 homeobox A; plus strand). Cytogenetic location: 12q24.31.
Variant type: Microsatellite.
Coding change: c.1333_1334del on transcript NM_000545.8 (MANE Select); coding-DNA positions 1333 to 1334, 2 bases deleted (AG; older notation c.1333_1334delAG).
Protein change: p.Ser445fs; shifts the reading frame from serine 445.
Molecular consequence: frameshift variant.
Genome position (GRCh38, 1-based): chr12:120,997,497-120,997,498, AG deleted; deleting any 2 consecutive bases within chr12:120,997,495-120,997,498 gives the same sequence; the c. name uses the placement nearest the transcript's 3' end. VCF-style (leftmost placement, unchanged base first): chr12-120997494-CAG-C. GRCh37 (hg19) VCF-style: chr12-121435297-CAG-C.
Other names: NM_000545.8(HNF1A):c.1333_1334del; p.Ser445fs; c.1333_1334del, p.Ser445fs (NM_001306179.2); short protein forms S445fs.
Identifiers: ClinVar variation 14946 (VCV000014946.2), dbSNP rs2135847417, ClinGen allele CA2580614579.